The following is an entry in ClinVar:

NM_130837.3(OPA1):c.1150-11_1150-6del

Gene: OPA1 (OPA1 mitochondrial dynamin like GTPase; plus strand). Cytogenetic location: 3q29.
Variant type: Deletion.
Coding change: c.1150-11_1150-6del on transcript NM_130837.3 (MANE Select); 11 bases into the intron before coding-DNA position 1150 through 6 bases into the intron before coding-DNA position 1150, 6 bases deleted (GTTACT; older notation c.1150-11_1150-6delGTTACT).
Molecular consequence: intron variant.
Genome position (GRCh38, 1-based): chr3:193,642,754-193,642,759, GTTACT deleted; deleting any 6 consecutive bases within chr3:193,642,752-193,642,759 gives the same sequence; the c. name uses the placement nearest the transcript's 3' end. VCF-style (leftmost placement, unchanged base first): chr3-193642751-TCTGTTA-T. GRCh37 (hg19) VCF-style: chr3-193360540-TCTGTTA-T.
Other names: c.613-11_613-6del (NM_001354664.2); c.616-11_616-6del (NM_001354663.2); c.1039-11_1039-6del (NM_130834.3); c.1096-11_1096-6del (NM_130836.3); c.985-11_985-6del (NM_015560.3); c.1042-11_1042-6del (NM_130835.3); c.931-11_931-6del (NM_130832.3); c.988-11_988-6del (NM_130833.3); and 1 more.
Identifiers: ClinVar variation 4727884 (VCV004727884.1).

ClinVar aggregate classification (germline): Uncertain significance (1 of 4 stars; one submission).

Submission:

Labcorp Genetics (formerly Invitae), Labcorp
Classification: Uncertain significance. Last evaluated: 2025-09-26. Review status: criteria provided, single submitter. Criteria: Invitae Variant Classification Sherloc (09022015). Collection method: clinical testing. Allele origin: germline.
Comment: This sequence change falls in intron 9 of the OPA1 gene. It does not directly change the encoded amino acid sequence of the OPA1 protein. This variant is not present in population databases (gnomAD no frequency). This variant has not been reported in the literature in individuals affected with OPA1-related conditions. Algorithms developed to predict the effect of sequence changes on RNA splicing suggest that this variant may disrupt the consensus splice site. In summary, the available evidence is currently insufficient to determine the role of this variant in disease. Therefore, it has been classified as a Variant of Uncertain Significance.